The following is an entry in ClinVar:

NM_024675.4(PALB2):c.3497G>A (p.Gly1166Asp)

Gene: PALB2 (partner and localizer of BRCA2; minus strand). Cytogenetic location: 16p12.2.
Variant type: single nucleotide variant.
Coding change: c.3497G>A on transcript NM_024675.4 (MANE Select); coding-DNA position 3497, G replaced by A.
Protein change: p.Gly1166Asp; replaces glycine 1166 with aspartic acid.
Molecular consequence: missense variant. On other transcripts: 3 prime UTR variant (5).
Genome position (GRCh38, 1-based): chr16:23,603,523, C>T on the plus strand (G>A on the coding strand, the complement: PALB2 is on the minus strand). VCF-style: chr16-23603523-C-T. GRCh37 (hg19) VCF-style: chr16-23614844-C-T.
Other names: c.3437G>A, p.Gly1146Asp (NM_001407296.1); c.3425G>A, p.Gly1142Asp (NM_001407297.1); c.3335G>A, p.Gly1112Asp (NM_001407298.1); c.3260G>A, p.Gly1087Asp (NM_001407299.1); c.3218G>A, p.Gly1073Asp (NM_001407300.1); c.*132G>A (NM_001407301.1, NM_001407302.1, NM_001407310.1 and 2 more transcripts); c.2612G>A, p.Gly871Asp (NM_001407304.1, NM_001407305.1, NM_001407306.1); c.2450G>A, p.Gly817Asp (NM_001407307.1); and 3 more; short protein forms G1166D, G871D, G1073D, G1142D, G792D, G1146D, G570D, G817D.
Identifiers: ClinVar variation 2766338 (VCV002766338.3), dbSNP rs2142252321, ClinGen allele CA395137913.

ClinVar aggregate classification (germline): Uncertain significance (1 of 4 stars; one submission).

Conditions:
Familial cancer of breast. Also called: Hereditary breast cancer; BREAST CANCER, FAMILIAL; hereditary breast carcinoma. Identifiers: Orphanet 227535, MedGen C0346153, MONDO:0016419, OMIM 114480. Disease mechanism: loss of function.

Submission:

Labcorp Genetics (formerly Invitae), Labcorp
Classification: Uncertain significance for Familial cancer of breast. Last evaluated: 2023-10-06. Review status: criteria provided, single submitter. Criteria: Invitae Variant Classification Sherloc (09022015). Collection method: clinical testing. Allele origin: germline.
Comment: This sequence change replaces glycine, which is neutral and non-polar, with aspartic acid, which is acidic and polar, at codon 1166 of the PALB2 protein (p.Gly1166Asp). This variant is not present in population databases (gnomAD no frequency). This variant has not been reported in the literature in individuals affected with PALB2-related conditions. Algorithms developed to predict the effect of missense changes on protein structure and function output the following: SIFT: "Not Available"; PolyPhen-2: "Benign"; Align-GVGD: "Not Available". The aspartic acid amino acid residue is found in multiple mammalian species, which suggests that this missense change does not adversely affect protein function. In summary, the available evidence is currently insufficient to determine the role of this variant in disease. Therefore, it has been classified as a Variant of Uncertain Significance.